The following is an entry in ClinVar:

ClinVar aggregate classification (germline): Conflicting classifications of pathogenicity. Review status: criteria provided, conflicting classifications (1 of 4 stars). 3 submissions from 3 submitters: Likely pathogenic (1); Uncertain significance (2). Last evaluated 2025-12-10.

Conditions:
Cardiovascular phenotype. Identifiers: MedGen CN230736.
Hypertrophic cardiomyopathy. Also called: HYPERTROPHIC MYOCARDIOPATHY. Identifiers: Orphanet 217569, MedGen C0007194, MeSH D002312, MONDO:0005045, HP:0001639.

Submissions (3):

Labcorp Genetics (formerly Invitae), Labcorp
Classification: Uncertain significance for Hypertrophic cardiomyopathy. Last evaluated: 2025-12-10. Review status: criteria provided, single submitter. Criteria: Invitae Variant Classification Sherloc (09022015). Collection method: clinical testing. Allele origin: germline.
Comment: This sequence change replaces methionine, which is neutral and non-polar, with isoleucine, which is neutral and non-polar, at codon 149 of the MYL3 protein (p.Met149Ile). This variant is not present in population databases (gnomAD no frequency). This missense change has been observed in individual(s) with hypertrophic cardiomyopathy (PMID: 25132132, 33673806). ClinVar contains an entry for this variant (Variation ID: 180442). An algorithm developed to predict the effect of missense changes on protein structure and function (PolyPhen-2) suggests that this variant is likely to be tolerated. Algorithms developed to predict the effect of sequence changes on RNA splicing suggest that this variant may create or strengthen a splice site. This variant disrupts the p.Met149 amino acid residue in MYL3. Other variant(s) that disrupt this residue have been determined to be pathogenic (PMID: 8673105, 16267253, 22131351). This suggests that this residue is clinically significant, and that variants that disrupt this residue are likely to be disease-causing. In summary, the available evidence is currently insufficient to determine the role of this variant in disease. Therefore, it has been classified as a Variant of Uncertain Significance.

GeneDx
Classification: Likely pathogenic. Last evaluated: 2024-06-24. Review status: criteria provided, single submitter. Criteria: GeneDx Variant Classification Process June 2021. Collection method: clinical testing. Allele origin: germline. Affected: yes.
Comment: Identified in patients with suspected or confirmed HCM in published literature (PMID: 25132132, 33673806); Not observed at significant frequency in large population cohorts (gnomAD); In silico analysis supports that this missense variant has a deleterious effect on protein structure/function; In silico analysis supports a deleterious effect on splicing; This variant is associated with the following publications: (PMID: 25132132, 33673806, 30681346)

Ambry Genetics
Classification: Uncertain significance for Cardiovascular phenotype. Last evaluated: 2024-01-09. Review status: criteria provided, single submitter. Criteria: Ambry Variant Classification Scheme 2023. Collection method: clinical testing. Allele origin: germline.
Comment: The p.M149I variant (also known as c.447G>A), located in coding exon 4 of the MYL3 gene, results from a G to A substitution at nucleotide position 447. The methionine at codon 149 is replaced by isoleucine, an amino acid with highly similar properties. This variant has been detected in a hypertrophic cardiomyopathy (HCM) cohort; however, details were limited (Wang J et al. Eur J Heart Fail, 2014 Sep;16:950-7). This amino acid position is highly conserved in available vertebrate species. In addition, this alteration is predicted to be deleterious by in silico analysis. Since supporting evidence is limited at this time, the clinical significance of this alteration remains unclear.

Literature cited by the submitters: PubMed 25132132 (cited by Labcorp Genetics (formerly Invitae), Labcorp and Ambry Genetics); PubMed 33673806 (cited by Labcorp Genetics (formerly Invitae), Labcorp and Ambry Genetics); PubMed 8673105 (cited by Labcorp Genetics (formerly Invitae), Labcorp); PubMed 16267253 (cited by Labcorp Genetics (formerly Invitae), Labcorp); PubMed 22131351 (cited by Labcorp Genetics (formerly Invitae), Labcorp).

NM_000258.3(MYL3):c.447G>A (p.Met149Ile)

Gene: MYL3 (myosin light chain 3; minus strand). Cytogenetic location: 3p21.31.
Variant type: single nucleotide variant.
Coding change: c.447G>A on transcript NM_000258.3 (MANE Select); coding-DNA position 447, G replaced by A.
Protein change: p.Met149Ile; replaces methionine 149 with isoleucine.
Molecular consequence: missense variant.
Genome position (GRCh38, 1-based): chr3:46,859,509, C>T on the plus strand (G>A on the coding strand, the complement: MYL3 is on the minus strand). VCF-style: chr3-46859509-C-T. GRCh37 (hg19) VCF-style: chr3-46900999-C-T.
Other names: short protein forms M149I.
Identifiers: ClinVar variation 180442 (VCV000180442.5), dbSNP rs730880162, ClinGen allele CA013812.